The following is an entry in ClinVar:

NM_013372.7(GREM1):c.257G>A (p.Arg86His)

Gene: GREM1 (gremlin 1, DAN family BMP antagonist; plus strand). Cytogenetic location: 15q13.3.
Variant type: single nucleotide variant.
Coding change: c.257G>A on transcript NM_013372.7 (MANE Select); coding-DNA position 257, G replaced by A.
Protein change: p.Arg86His; replaces arginine 86 with histidine.
Molecular consequence: missense variant.
Genome position (GRCh38, 1-based): chr15:32,730,947, G>A. VCF-style: chr15-32730947-G-A. GRCh37 (hg19) VCF-style: chr15-33023148-G-A.
Other names: c.47G>A, p.Arg16His (NM_001191322.2); c.134G>A, p.Arg45His (NM_001191323.2); c.257G>A, p.Arg86His (NM_001368719.1); short protein forms R45H, R86H, R16H.
Identifiers: ClinVar variation 4266785 (VCV004266785.1).

ClinVar aggregate classification (germline): Uncertain significance (1 of 4 stars; one submission).

Conditions:
Hereditary cancer-predisposing syndrome. Also called: Hereditary Cancer Syndrome; Hereditary neoplastic syndrome; Neoplastic Syndromes, Hereditary; Tumor predisposition. Identifiers: Orphanet 140162, MedGen C0027672, MeSH D009386, MONDO:0015356.

Submission:

Ambry Genetics
Classification: Uncertain significance for Hereditary cancer-predisposing syndrome. Last evaluated: 2025-06-20. Review status: criteria provided, single submitter. Criteria: Ambry Variant Classification Scheme 2023. Collection method: clinical testing. Allele origin: germline.
Comment: The p.R86H variant (also known as c.257G>A), located in coding exon 1 of the GREM1 gene, results from a G to A substitution at nucleotide position 257. The arginine at codon 86 is replaced by histidine, an amino acid with highly similar properties. This amino acid position is conserved. In addition, the in silico prediction for this alteration is inconclusive. Based on the available evidence, the clinical significance of this variant remains unclear.